The following is an entry in ClinVar:

ClinVar aggregate classification (germline): Pathogenic (1 of 4 stars; one submission).

Conditions:
Ataxia-telangiectasia syndrome (AT). Also called: Ataxia-telangiectasia; LOUIS-BAR SYNDROME; Ataxia-telangiectasia, complementation group D; AT, COMPLEMENTATION GROUP C; ATAXIA-TELANGIECTASIA, COMPLEMENTATION GROUP A; ATAXIA-TELANGIECTASIA, FRESNO VARIANT. Identifiers: Orphanet 100, MedGen C0004135, MONDO:0008840, OMIM 208900.

Submission:

Labcorp Genetics (formerly Invitae), Labcorp
Classification: Pathogenic for Ataxia-telangiectasia syndrome. Last evaluated: 2021-01-29. Review status: criteria provided, single submitter. Criteria: Invitae Variant Classification Sherloc (09022015). Collection method: clinical testing. Allele origin: germline.
Comment: This sequence change affects donor splice site in intron 42 of the ATM gene. It is expected to disrupt RNA splicing. Variants that disrupt the donor or acceptor splice site typically lead to a loss of protein function (PMID: 16199547), and loss-of-function variants in ATM are known to be pathogenic (PMID: 23807571, 25614872). This variant is not present in population databases (ExAC no frequency). Variants affecting this donor splice site have been observed as homozygous or in combination with another ATM variant in several individuals affected with ataxia telangiectasia (PMID: 9463314, 21459046, 26915675, 26220245). In addition, they have been reported as heterozygous in individuals affected with ATM-related cancers (PMID: 29909963, 16832357, 21792198). Algorithms developed to predict the effect of sequence changes on RNA splicing suggest that this variant may disrupt the consensus splice site, but this prediction has not been confirmed by published transcriptional studies. For these reasons, this variant has been classified as Pathogenic.

Literature cited by the submitters: PubMed 16199547; PubMed 23807571; PubMed 25614872; PubMed 9463314; PubMed 21459046; PubMed 26915675; PubMed 26220245; PubMed 29909963; PubMed 16832357; PubMed 21792198.

NM_000051.4(ATM):c.6198+1del

Genes: ATM (ATM serine/threonine kinase; plus strand), C11orf65 (chromosome 11 open reading frame 65; minus strand). Cytogenetic location: 11q22.3.
Variant type: Deletion.
Coding change: c.6198+1del on transcript NM_000051.4 (MANE Select); the canonical splice donor site of the intron after coding-DNA position 6198, one base deleted (G; older notation c.6198+1delG).
Molecular consequence: splice donor variant. On other transcripts: intron variant (2).
Genome position (GRCh38, 1-based): chr11:108,316,114, G deleted; the last of 2 consecutive G bases (chr11:108,316,113-108,316,114); deleting either gives the same sequence. VCF-style (leftmost placement, unchanged base first): chr11-108316112-AG-A. GRCh37 (hg19) VCF-style: chr11-108186839-AG-A.
Other names: c.6198+1del (NM_001351834.2); c.641-7042del (NM_001330368.2); c.*39-7042del (NM_001351110.2).
Identifiers: ClinVar variation 1401082 (VCV001401082.9), dbSNP rs2136132894, ClinGen allele CA2573146618.
Genomic context (GRCh38, chr11:108,316,112, plus strand): 5'-TAGTAACATATGACCTCGAAACAGCAATCCCCTCATCAACACGCCAGGCAGGAATCATTC[AG>A]GTACATTTTTTCCCAGATTTGGTAAAGCCATCACTAGTGTAGTGCTGAGGTTATTTCAGT-3'